The following is an entry in ClinVar:

NM_139321.3(ATRN):c.293C>T (p.Ala98Val)

Genes: ATRN (attractin; plus strand), LOC130065331 (ATAC-STARR-seq lymphoblastoid silent region 12621; plus strand). Cytogenetic location: 20p13.
Variant type: single nucleotide variant.
Coding change: c.293C>T on transcript NM_139321.3 (MANE Select); coding-DNA position 293, C replaced by T.
Protein change: p.Ala98Val; replaces alanine 98 with valine.
Molecular consequence: missense variant. On other transcripts: intron variant (1).
Genome position (GRCh38, 1-based): chr20:3,471,400, C>T. VCF-style: chr20-3471400-C-T. GRCh37 (hg19) VCF-style: chr20-3452047-C-T.
Other names: c.293C>T, p.Ala98Val (NM_001323332.2, NM_139322.4); c.62+266C>T (NM_001207047.3); short protein forms A98V.
Identifiers: ClinVar variation 2149795 (VCV002149795.4), dbSNP rs879691653, ClinGen allele CA310638134.

ClinVar aggregate classification (germline): Uncertain significance (1 of 4 stars; one submission).

gnomAD v4.1: 116 of 1,488,874 alleles (0.0078%); highest among the groups gnomAD compares: Non-Finnish European, 0.0099%; no homozygotes.

Submission:

Labcorp Genetics (formerly Invitae), Labcorp
Classification: Uncertain significance. Last evaluated: 2025-12-09. Review status: criteria provided, single submitter. Criteria: Invitae Variant Classification Sherloc (09022015). Collection method: clinical testing. Allele origin: germline.
Comment: This sequence change replaces alanine, which is neutral and non-polar, with valine, which is neutral and non-polar, at codon 98 of the ATRN protein (p.Ala98Val). This variant is present in population databases (no rsID available, gnomAD 0.02%). This variant has not been reported in the literature in individuals affected with ATRN-related conditions. ClinVar contains an entry for this variant (Variation ID: 2149795). Experimental studies and prediction algorithms are not available or were not evaluated, and the functional significance of this variant is currently unknown. In summary, the available evidence is currently insufficient to determine the role of this variant in disease. Therefore, it has been classified as a Variant of Uncertain Significance.